The following is an entry in ClinVar:

NM_006393.3(NEBL):c.903+260C>T

Gene: NEBL (nebulette; minus strand). Cytogenetic location: 10p12.31.
Variant type: single nucleotide variant.
Coding change: c.903+260C>T on transcript NM_006393.3 (MANE Select); 260 bases into the intron after coding-DNA position 903, C replaced by T.
Molecular consequence: intron variant.
Genome position (GRCh38, 1-based): chr10:20,857,980, G>A on the plus strand (C>T on the coding strand, the complement: NEBL is on the minus strand). VCF-style: chr10-20857980-G-A. GRCh37 (hg19) VCF-style: chr10-21146909-G-A.
Other names: c.250-45040C>T (NM_001377326.1, NM_001377327.1, NM_001377328.1); c.358-45040C>T (NM_213569.2, NM_001173484.2, NM_001377322.1); c.301-45040C>T (NM_001377324.1); c.292-45040C>T (NM_001377325.1); c.310-45040C>T (NM_001377323.1).
Identifiers: ClinVar variation 669429 (VCV000669429.1), dbSNP rs71524337, ClinGen allele CA204192347.

ClinVar aggregate classification (germline): Likely benign (1 of 4 stars; one submission).

Allele frequency attached by ClinVar (database versions not stated): gnomAD 0.00442 and 0.00476; 1000 Genomes Project 0.00459; TOPMed 0.00479; 1000 Genomes Project 30x 0.00547.
gnomAD v4.1: 663 of 152,246 alleles (0.44%); highest among the groups gnomAD compares: African/African-American, 1.5%; 6 homozygotes.

Submission:

GeneDx
Classification: Likely benign. Last evaluated: 2018-06-16. Review status: criteria provided, single submitter. Criteria: GeneDx Variant Classification (06012015). Collection method: clinical testing. Allele origin: germline. Affected: yes.
Comment: This variant is considered likely benign or benign based on one or more of the following criteria: it is a conservative change, it occurs at a poorly conserved position in the protein, it is predicted to be benign by multiple in silico algorithms, and/or has population frequency not consistent with disease.